The following is an entry in ClinVar:

NM_001909.5(CTSD):c.627C>T (p.Asn209=)

Gene: CTSD (cathepsin D; minus strand). Cytogenetic location: 11p15.5.
Variant type: single nucleotide variant.
Coding change: c.627C>T on transcript NM_001909.5 (MANE Select); coding-DNA position 627, C replaced by T.
Protein change: p.Asn209=; no amino-acid change (asparagine 209 retained).
Molecular consequence: synonymous variant.
Genome position (GRCh38, 1-based): chr11:1,757,401, G>A on the plus strand (C>T on the coding strand, the complement: CTSD is on the minus strand). VCF-style: chr11-1757401-G-A. GRCh37 (hg19) VCF-style: chr11-1778631-G-A.
Identifiers: ClinVar variation 509090 (VCV000509090.9), dbSNP rs772453588, ClinGen allele CA5814124.

ClinVar aggregate classification (germline): Likely benign. Review status: criteria provided, multiple submitters, no conflicts (2 of 4 stars). 2 submissions from 2 submitters: Likely benign (2). Last evaluated 2025-02-02.

Conditions:
Neuronal ceroid lipofuscinosis. Also called: Neuronal Ceroid Lipofuscinoses. Identifiers: Orphanet 216, Orphanet 79263, MedGen C0027877, MONDO:0016295. Disease mechanism: loss of function.

Allele frequency attached by ClinVar (database versions not stated): ExAC 0.00001; gnomAD exomes 0.00001; gnomAD 0.00005 and 0.00006; TOPMed 0.00005.
gnomAD v4.1: 11 of 1,614,072 alleles (0.00068%); highest among the groups gnomAD compares: African/African-American, 0.015%; no homozygotes.

Submissions (2):

Labcorp Genetics (formerly Invitae), Labcorp
Classification: Likely benign for Neuronal ceroid lipofuscinosis. Last evaluated: 2025-02-02. Review status: criteria provided, single submitter. Criteria: Invitae Variant Classification Sherloc (09022015). Collection method: clinical testing. Allele origin: germline.

GeneDx
Classification: Likely benign. Last evaluated: 2017-04-20. Review status: criteria provided, single submitter. Criteria: GeneDx Variant Classification (06012015). Collection method: clinical testing. Allele origin: germline. Affected: yes.
Comment: This variant is considered likely benign or benign based on one or more of the following criteria: it is a conservative change, it occurs at a poorly conserved position in the protein, it is predicted to be benign by multiple in silico algorithms, and/or has population frequency not consistent with disease.